The following is an entry in ClinVar:

ClinVar aggregate classification (germline): Uncertain significance. Review status: criteria provided, multiple submitters, no conflicts (2 of 4 stars). 5 submissions from 5 submitters: Uncertain significance (5). Last evaluated 2026-02-03.

Conditions:
Cardiovascular phenotype. Identifiers: MedGen CN230736.
Cardiac arrhythmia. Also called: Arrhythmia; Cardiac rhythm disease. Identifiers: MedGen C0003811, MONDO:0007263, HP:0011675.
Long QT syndrome (LQTS). Identifiers: MedGen C0023976, MeSH D008133, MONDO:0002442. Disease mechanism: loss of function. Inheritance: Various modes of inheritance.

Allele frequency attached by ClinVar (database versions not stated): ExAC 0.00013; 1000 Genomes Project 30x 0.00031; gnomAD 0.00001; gnomAD exomes 0.00004 and 0.00006; TOPMed 0.00002; 1000 Genomes Project 0.00020.
gnomAD v4.1: 54 of 1,525,004 alleles (0.0035%); highest among the groups gnomAD compares: South Asian, 0.026%; no homozygotes.

Submissions (5):

Labcorp Genetics (formerly Invitae), Labcorp
Classification: Uncertain significance for Long QT syndrome. Last evaluated: 2026-02-03. Review status: criteria provided, single submitter. Criteria: Invitae Variant Classification Sherloc (09022015). Collection method: clinical testing. Allele origin: germline.
Comment: This sequence change replaces arginine, which is basic and polar, with tryptophan, which is neutral and slightly polar, at codon 912 of the KCNH2 protein (p.Arg912Trp). The frequency data for this variant in the population databases is considered unreliable, as metrics indicate poor data quality at this position in the gnomAD database. This variant has not been reported in the literature in individuals affected with KCNH2-related conditions. ClinVar contains an entry for this variant (Variation ID: 180384). An algorithm developed to predict the effect of missense changes on protein structure and function (PolyPhen-2) suggests that this variant is likely to be disruptive. In summary, the available evidence is currently insufficient to determine the role of this variant in disease. Therefore, it has been classified as a Variant of Uncertain Significance.

Ambry Genetics
Classification: Uncertain significance for Cardiovascular phenotype. Last evaluated: 2025-01-03. Review status: criteria provided, single submitter. Criteria: Ambry Variant Classification Scheme 2023. Collection method: clinical testing. Allele origin: germline.
Comment: The p.R912W variant (also known as c.2734C>T), located in coding exon 12 of the KCNH2 gene, results from a C to T substitution at nucleotide position 2734. The arginine at codon 912 is replaced by tryptophan, an amino acid with dissimilar properties. This amino acid position is well conserved in available vertebrate species. In addition, the in silico prediction for this alteration is inconclusive. Based on the available evidence, the clinical significance of this variant remains unclear.

All of Us Research Program, National Institutes of Health
Classification: Uncertain significance for Long QT syndrome. Last evaluated: 2024-07-29. Review status: criteria provided, single submitter. Criteria: ACMG Guidelines, 2015. Collection method: clinical testing. Allele origin: germline. Inheritance: Autosomal dominant inheritance. Observed: 13 variant alleles, 13 heterozygotes.
Comment: This missense variant replaces arginine with tryptophan at codon 912 of the KCNH2 protein. Computational prediction is inconclusive regarding the impact of this variant on protein structure and function (internally defined REVEL score threshold 0.5 < inconclusive < 0.7, PMID: 27666373). To our knowledge, functional studies have not been reported for this variant. This variant has not been reported in individuals affected with cardiovascular disorders in the literature. This variant has been identified in 7/120784 chromosomes in the general population by the Genome Aggregation Database (gnomAD). The available evidence is insufficient to determine the role of this variant in disease conclusively. Therefore, this variant is classified as a Variant of Uncertain Significance.

This study involves interpretation of variants in research participants for the purpose of population health screening. Participant phenotype was not available at the time of variant classification. Additional details can be found in publication PMID: 35346344, PMCID: PMC8962531

Color Diagnostics, LLC DBA Color Health
Classification: Uncertain significance for Cardiac arrhythmia. Last evaluated: 2024-02-14. Review status: criteria provided, single submitter. Criteria: ACMG Guidelines, 2015. Collection method: clinical testing. Allele origin: germline.
Comment: This missense variant replaces arginine with tryptophan at codon 912 of the KCNH2 protein. Computational prediction is inconclusive regarding the impact of this variant on protein structure and function (internally defined REVEL score threshold 0.5 < inconclusive < 0.7, PMID: 27666373). To our knowledge, functional studies have not been reported for this variant. This variant has not been reported in individuals affected with KCNH2-related disorders in the literature. This variant has been identified in 7/120784 chromosomes in the general population by the Genome Aggregation Database (gnomAD). The available evidence is insufficient to determine the role of this variant in disease conclusively. Therefore, this variant is classified as a Variant of Uncertain Significance.

GeneDx
Classification: Uncertain significance. Last evaluated: 2023-02-28. Review status: criteria provided, single submitter. Criteria: GeneDx Variant Classification Process June 2021. Collection method: clinical testing. Allele origin: germline. Affected: yes.
Comment: Has not been previously published as pathogenic or benign to association with a KCNH2-related disorder to our knowledge; In silico analysis supports that this missense variant has a deleterious effect on protein structure/function; This variant is associated with the following publications: (PMID: 26746457)

NM_000238.4(KCNH2):c.2734C>T (p.Arg912Trp)

Gene: KCNH2 (potassium voltage-gated channel subfamily H member 2; minus strand). Cytogenetic location: 7q36.1.
Variant type: single nucleotide variant.
Coding change: c.2734C>T on transcript NM_000238.4 (MANE Select); coding-DNA position 2734, C replaced by T.
Protein change: p.Arg912Trp; replaces arginine 912 with tryptophan.
Molecular consequence: missense variant.
Genome position (GRCh38, 1-based): chr7:150,947,837, G>A on the plus strand (C>T on the coding strand, the complement: KCNH2 is on the minus strand). VCF-style: chr7-150947837-G-A. GRCh37 (hg19) VCF-style: chr7-150644925-G-A.
Other names: c.2734C>T (NM_000238.2); c.1714C>T, p.Arg572Trp (NM_172057.3); short protein forms R572W, R912W.
Identifiers: ClinVar variation 180384 (VCV000180384.60), dbSNP rs577847157, ClinGen allele CA007249.
Genomic context (GRCh38, chr7:150,947,837, plus strand): 5'-ACGGGCTCTCCCCCCACGGCCCCCCCGGCCGGCCCCGGCTACTCGGCCCTGCCCCCGCCC[G>A]GCCCGGCCCCAAGGCCGACACCTCCCCTGGCTGCTCCGTGTCTGTGGGAAACAGAGAATG-3'
Protein context (NP_000229.1, residues 902-922): PGEVSALGPG[Arg912Trp]AGAGPSSRGR